The following is an entry in ClinVar:

ClinVar aggregate classification (germline): Benign. Review status: criteria provided, multiple submitters, no conflicts (2 of 4 stars). 4 submissions from 4 submitters: Benign (4). Last evaluated 2026-01-26.

Conditions:
Immunodeficiency 18 (IMD18). Also called: CD3-EPSILON DEFICIENCY; CD3epsilon deficiency. Identifiers: MedGen C3810127, MONDO:0014278, OMIM 615615.

Allele frequency attached by ClinVar (database versions not stated): ESP Exome Variant Server 0.00038; gnomAD exomes 0.00073 and 0.00305; gnomAD 0.00121 and 0.00160; TOPMed 0.00175; ExAC 0.00290; 1000 Genomes Project 30x 0.00921; 1000 Genomes Project 0.01038.
gnomAD v4.1: 1,427 of 1,614,064 alleles (0.088%); highest among the groups gnomAD compares: East Asian, 2.6%; 26 homozygotes.

Submissions (4):

Labcorp Genetics (formerly Invitae), Labcorp
Classification: Benign for Immunodeficiency 18. Last evaluated: 2026-01-26. Review status: criteria provided, single submitter. Criteria: Invitae Variant Classification Sherloc (09022015). Collection method: clinical testing. Allele origin: germline.

Illumina Laboratory Services, Illumina
Classification: Benign for Immunodeficiency 18. Last evaluated: 2018-01-13. Review status: criteria provided, single submitter. Criteria: ICSL Variant Classification Criteria 13 December 2019. Collection method: clinical testing. Allele origin: germline.
Comment: This variant was observed in the ICSL laboratory as part of a predisposition screen in an ostensibly healthy population. It had not been previously curated by ICSL or reported in the Human Gene Mutation Database (HGMD: prior to June 1st, 2018), and was therefore a candidate for classification through an automated scoring system. Utilizing variant allele frequency, disease prevalence and penetrance estimates, and inheritance mode, an automated score was calculated to assess if this variant is too frequent to cause the disease. Based on the score and internal cut-off values, a variant classified as benign is not then subjected to further curation. The score for this variant resulted in a classification of benign for this disease.

GeneDx
Classification: Benign. Last evaluated: 2014-05-12. Review status: criteria provided, single submitter. Criteria: GeneDx Variant Classification (06012015). Collection method: clinical testing. Allele origin: germline. Affected: yes.
Comment: This variant is considered likely benign or benign based on one or more of the following criteria: it is a conservative change, it occurs at a poorly conserved position in the protein, it is predicted to be benign by multiple in silico algorithms, and/or has population frequency not consistent with disease.

Breakthrough Genomics
Classification: Benign. Review status: criteria provided, single submitter. Criteria: ACMG Guidelines, 2015. Collection method: not provided. Allele origin: germline. Inheritance: Autosomal recessive inheritance. Affected: yes.

NM_000733.4(CD3E):c.216T>C (p.Asp72=)

Gene: CD3E (CD3 epsilon subunit of T-cell receptor complex; plus strand). Cytogenetic location: 11q23.3.
Variant type: single nucleotide variant.
Coding change: c.216T>C on transcript NM_000733.4 (MANE Select); coding-DNA position 216, T replaced by C.
Protein change: p.Asp72=; no amino-acid change (aspartic acid 72 retained).
Molecular consequence: synonymous variant.
Genome position (GRCh38, 1-based): chr11:118,312,730, T>C. VCF-style: chr11-118312730-T-C. GRCh37 (hg19) VCF-style: chr11-118183445-T-C.
Other names: p.D72D:GAT>GAC.
Identifiers: ClinVar variation 136690 (VCV000136690.16), dbSNP rs2231444, ClinGen allele CA289997.
Genomic context (GRCh38, chr11:118,312,730, plus strand): 5'-TCCTGGATCTGAAATACTATGGCAACACAATGATAAAAACATAGGCGGTGATGAGGATGA[T>C]AAAAACATAGGCAGTGATGAGGATCACCTGTCACTGAAGGAATTTTCAGAATTGGAGCAA-3'
Protein context (NP_000724.1, residues 62-82): NDKNIGGDED[Asp72=]KNIGSDEDHL